The following is an entry in ClinVar:

ClinVar aggregate classification (germline): Uncertain significance (1 of 4 stars; one submission).

Conditions:
Hereditary cancer-predisposing syndrome. Also called: Neoplastic Syndromes, Hereditary; Tumor predisposition; Hereditary Cancer Syndrome; Hereditary neoplastic syndrome. Identifiers: Orphanet 140162, MedGen C0027672, MeSH D009386, MONDO:0015356.

Submission:

Ambry Genetics
Classification: Uncertain significance for Hereditary cancer-predisposing syndrome. Last evaluated: 2022-04-12. Review status: criteria provided, single submitter. Criteria: Ambry Variant Classification Scheme 2023. Collection method: clinical testing. Allele origin: germline.
Comment: The c.3702_3710delACTTGCTGA variant (also known as p.L1235_E1237del) is located in coding exon 8 of the MSH6 gene. This variant results from an in-frame ACTTGCTGA deletion at nucleotide positions 3702 to 3710. This results in the in-frame deletion of three amino acids at codon 1235. The amino acid region is well conserved in available vertebrate species. In addition, this alteration is predicted to be deleterious by in silico analysis (Choi Y et al. PLoS ONE. 2012; 7(10):e46688). Since supporting evidence is limited at this time, the clinical significance of this alteration remains unclear.

NM_000179.3(MSH6):c.3702_3710del (p.Leu1235_Glu1237del)

Gene: MSH6 (mutS homolog 6; plus strand). Cytogenetic location: 2p16.3.
Variant type: Deletion.
Coding change: c.3702_3710del on transcript NM_000179.3 (MANE Select); coding-DNA positions 3702 to 3710, 9 bases deleted (ACTTGCTGA; older notation c.3702_3710delACTTGCTGA).
Protein change: p.Leu1235_Glu1237del.
Molecular consequence: inframe deletion. On other transcripts: inframe indel (38).
Genome position (GRCh38, 1-based): chr2:47,806,259-47,806,267, ACTTGCTGA deleted; deleting any 9 consecutive bases within chr2:47,806,257-47,806,267 gives the same sequence; the c. name uses the placement nearest the transcript's 3' end. VCF-style (leftmost placement, unchanged base first): chr2-47806256-AGAACTTGCT-A. GRCh37 (hg19) VCF-style: chr2-48033395-AGAACTTGCT-A.
Other names: c.3312_3320del, p.Leu1105_Glu1107del (NM_001281492.2); c.2796_2804del, p.Leu933_Glu935del (NM_001281493.2, NM_001281494.2); c.3798_3806delACTTGCTGA, p.Leu1267_Glu1269del (NM_001406795.1, NM_001406802.1); c.3702_3710delACTTGCTGA, p.Leu1235_Glu1237del (NM_001406796.1, NM_001406800.1, NM_001406808.1 and 1 more transcripts); c.3405_3413delACTTGCTGA, p.Leu1136_Glu1138del (NM_001406797.1, NM_001406801.1, NM_001406805.1 and 10 more transcripts); c.3528_3536delACTTGCTGA, p.Leu1177_Glu1179del (NM_001406798.1); c.3177_3185delACTTGCTGA, p.Leu1060_Glu1062del (NM_001406799.1, NM_001406806.1, NM_001406807.1); c.2838_2846delACTTGCTGA, p.Leu947_Glu949del (NM_001406803.1); and 8 more.
Identifiers: ClinVar variation 1734109 (VCV001734109.2), dbSNP rs2530840930, ClinGen allele CA2580067291.